The following is an entry in ClinVar:

NM_024675.4(PALB2):c.3202-9C>T

Gene: PALB2 (partner and localizer of BRCA2; minus strand). Cytogenetic location: 16p12.2.
Variant type: single nucleotide variant.
Coding change: c.3202-9C>T on transcript NM_024675.4 (MANE Select); 9 bases into the intron before coding-DNA position 3202, C replaced by T.
Molecular consequence: intron variant.
Genome position (GRCh38, 1-based): chr16:23,608,021, G>A on the plus strand (C>T on the coding strand, the complement: PALB2 is on the minus strand). VCF-style: chr16-23608021-G-A. GRCh37 (hg19) VCF-style: chr16-23619342-G-A.
Identifiers: ClinVar variation 215936 (VCV000215936.59), dbSNP rs757444247, ClinGen allele CA336806.

ClinVar aggregate classification (germline): Conflicting classifications of pathogenicity. Review status: criteria provided, conflicting classifications (1 of 4 stars). 7 submissions from 7 submitters: Uncertain significance (1); Benign (1); Likely benign (4). 1 of the submissions does not count toward it. Last evaluated 2025-12-02.

Conditions:
Hereditary cancer-predisposing syndrome. Also called: Hereditary neoplastic syndrome; Neoplastic Syndromes, Hereditary; Tumor predisposition; Hereditary Cancer Syndrome. Identifiers: Orphanet 140162, MedGen C0027672, MeSH D009386, MONDO:0015356.
Familial cancer of breast. Also called: BREAST CANCER, FAMILIAL; Hereditary breast cancer; hereditary breast carcinoma. Identifiers: Orphanet 227535, MedGen C0346153, MONDO:0016419, OMIM 114480. Disease mechanism: loss of function.
Pancreatic cancer, susceptibility to, 3. Identifiers: Orphanet 1333, MedGen C3150547, MONDO:0013236, OMIM 613348.

Allele frequency attached by ClinVar (database versions not stated): gnomAD 0.00001 and 0.00002; ExAC 0.00002; gnomAD exomes 0.00002 and 0.00003; TOPMed 0.00002.
gnomAD v4.1: 37 of 1,612,706 alleles (0.0023%); highest among the groups gnomAD compares: South Asian, 0.014%; no homozygotes.

Submissions (7):

Labcorp Genetics (formerly Invitae), Labcorp
Classification: Likely benign for Familial cancer of breast. Last evaluated: 2025-12-02. Review status: criteria provided, single submitter. Criteria: Invitae Variant Classification Sherloc (09022015). Collection method: clinical testing. Allele origin: germline.

Myriad Genetics, Inc.
Classification: Benign for Familial cancer of breast. Last evaluated: 2025-01-21. Review status: criteria provided, single submitter. Criteria: Myriad Autosomal Dominant, Autosomal Recessive and X-Linked Classification Criteria (2023). Collection method: clinical testing. Allele origin: unknown.
Comment: This variant is considered benign. This variant is intronic and is not expected to impact mRNA splicing. This variant is strongly associated with less severe personal and family histories of cancer, typical for individuals without pathogenic variants in this gene [PMID: 25085752].

Genetic Services Laboratory, University of Chicago
Classification: Likely benign. Last evaluated: 2021-08-24. Review status: criteria provided, single submitter. Criteria: ACMG Guidelines, 2015. Collection method: clinical testing. Allele origin: germline. Affected: no.

GeneDx
Classification: Likely benign. Last evaluated: 2018-05-23. Review status: criteria provided, single submitter. Criteria: GeneDx Variant Classification Process June 2021. Collection method: clinical testing. Allele origin: germline. Affected: yes.

Color Diagnostics, LLC DBA Color Health
Classification: Likely benign for Hereditary cancer-predisposing syndrome. Last evaluated: 2015-06-02. Review status: criteria provided, single submitter. Criteria: ACMG Guidelines, 2015. Collection method: clinical testing. Allele origin: germline.

Ambry Genetics
Classification: Uncertain significance for Hereditary cancer-predisposing syndrome. Last evaluated: 2014-12-18. Review status: criteria provided, single submitter. Criteria: Ambry Variant Classification Scheme 2023. Collection method: clinical testing. Allele origin: germline.
Comment: The c.3202-9C>T intronic alteration consists of a C to T substitution 9 nucleotides before coding exon 12 in the PALB2 gene. Based on insufficient or conflicting evidence, the clinical significance of this alteration remains unclear.

Department of Pathology and Laboratory Medicine, Sinai Health System
Classification: Likely benign for Pancreatic cancer, susceptibility to, 3. Review status: no assertion criteria provided. Collection method: clinical testing. Allele origin: unknown. Affected: yes. Observed: 1 variant allele. Study: The Canadian Open Genetics Repository (COGR). Not counted in ClinVar's aggregate classification.
Comment: The PALB2 c.3202-9C>T variant was not identified in the literature nor was it identified in LOVD 3.0. The variant was identified in dbSNP (ID: rs757444247) as â€šÃ„ÃºWith Likely benignâ€šÃ„Ã¹ allele, and in ClinVar (classified likely benign by Invitae, GeneDx, and Color). The variant was identified in control databases in 8 of 246052 chromosomes at a frequency of 0.00003 (Genome Aggregation Database Feb 27, 2017) in the following populations: European Non-Finnish in 1 of 111588 chromosomes (freq: 0.000009), East Asian in 2 of 17236 chromosomes (freq: 0.0001), and South Asian in 5 of 30764 chromosomes (freq: 0.0002), but not in the African, Other, Latino, Ashkenazi Jewish, and Finnish populations. The c.3202-9C>T variant is located in the 3' splice region but does not affect the invariant -1 and -2 positions. Positions -3 and -5 to -12 are part of the splicing consensus sequence and variants involving these positions sometimes affect splicing; however, in silico or computational prediction software programs (SpliceSiteFinder, MaxEntScan, NNSPLICE, GeneSplicer) do not predict a difference in splicing. In summary, based on the above information the clinical significance of this variant cannot be determined with certainty at this time although we would lean towards a more benign role for this variant. This variant is classified as likely benign.

Literature cited by the submitters: PubMed 25085752 (cited by Myriad Genetics, Inc.).